The following is an entry in ClinVar:

ClinVar aggregate classification (germline): Uncertain significance (1 of 4 stars; one submission).

Allele frequency attached by ClinVar (database versions not stated): gnomAD 0.00001; TOPMed 0.00001.
gnomAD v4.1: 2 of 1,613,980 alleles (0.00012%); highest among the groups gnomAD compares: African/African-American, 0.0027%; no homozygotes.

Submission:

Labcorp Genetics (formerly Invitae), Labcorp
Classification: Uncertain significance. Last evaluated: 2021-11-04. Review status: criteria provided, single submitter. Criteria: Invitae Variant Classification Sherloc (09022015). Collection method: clinical testing. Allele origin: germline.
Comment: In summary, the available evidence is currently insufficient to determine the role of this variant in disease. Therefore, it has been classified as a Variant of Uncertain Significance. Algorithms developed to predict the effect of missense changes on protein structure and function (SIFT, PolyPhen-2, Align-GVGD) all suggest that this variant is likely to be disruptive. This variant has not been reported in the literature in individuals affected with USH2A-related conditions. This variant is not present in population databases (gnomAD no frequency). This sequence change replaces glycine, which is neutral and non-polar, with arginine, which is basic and polar, at codon 876 of the USH2A protein (p.Gly876Arg).

NM_206933.4(USH2A):c.2626G>C (p.Gly876Arg)

Genes: USH2A (usherin; minus strand), LOC122152296 (Sharpr-MPRA regulatory region 8762; plus strand). Cytogenetic location: 1q41.
Variant type: single nucleotide variant.
Coding change: c.2626G>C on transcript NM_206933.4 (MANE Select); coding-DNA position 2626, G replaced by C.
Protein change: p.Gly876Arg; replaces glycine 876 with arginine.
Molecular consequence: missense variant.
Genome position (GRCh38, 1-based): chr1:216,246,768, C>G on the plus strand (G>C on the coding strand, the complement: USH2A is on the minus strand). VCF-style: chr1-216246768-C-G. GRCh37 (hg19) VCF-style: chr1-216420110-C-G.
Other names: c.2626G>C, p.Gly876Arg (NM_007123.6); short protein forms G876R.
Identifiers: ClinVar variation 1403863 (VCV001403863.6), dbSNP rs1485068491, ClinGen allele CA344864392.